The following is an entry in ClinVar:

ClinVar aggregate classification (germline): Uncertain significance (1 of 4 stars; one submission).

Conditions:
Amyotrophic lateral sclerosis type 1 (ALS1). Also called: AMYOTROPHIC LATERAL SCLEROSIS 1, FAMILIAL. Identifiers: Orphanet 803, MedGen C1862939, MONDO:0007103, OMIM 105400.
Perry syndrome. Also called: PARKINSONISM WITH ALVEOLAR HYPOVENTILATION AND MENTAL DEPRESSION. Identifiers: Orphanet 178509, MedGen C1868594, MONDO:0008201, OMIM 168605.
Neuronopathy, distal hereditary motor, type 7B. Also called: Distal Hereditary Motor Neuronopathy Type 7B (dHMN7B); NEURONOPATHY, DISTAL HEREDITARY MOTOR, AUTOSOMAL DOMINANT 14; NEURONOPATHY, DISTAL HEREDITARY MOTOR, HARDING TYPE VIIB; NEUROPATHY, DISTAL HEREDITARY MOTOR, HARDING TYPE VIIB; NEUROPATHY, DISTAL HEREDITARY MOTOR, WITH VOCAL CORD PARALYSIS, HARDING TYPE VIIB; HMN VIIB. Identifiers: Orphanet 139589, MedGen C1843315, MONDO:0011879, OMIM 607641.

Submission:

Labcorp Genetics (formerly Invitae), Labcorp
Classification: Uncertain significance for Amyotrophic lateral sclerosis type 1; Neuronopathy, distal hereditary motor, type 7B; Perry syndrome. Last evaluated: 2018-09-05. Review status: criteria provided, single submitter. Criteria: Invitae Variant Classification Sherloc (09022015). Collection method: clinical testing. Allele origin: germline.
Comment: Algorithms developed to predict the effect of missense changes on protein structure and function (SIFT, PolyPhen-2, Align-GVGD) all suggest that this variant is likely to be tolerated, but these predictions have not been confirmed by published functional studies and their clinical significance is uncertain. In summary, the available evidence is currently insufficient to determine the role of this variant in disease. Therefore, it has been classified as a Variant of Uncertain Significance. This sequence change replaces glutamic acid with glycine at codon 1142 of the DCTN1 protein (p.Glu1142Gly). The glutamic acid residue is moderately conserved and there is a moderate physicochemical difference between glutamic acid and glycine. This variant is not present in population databases (ExAC no frequency). This variant has not been reported in the literature in individuals with DCTN1-related disease.

NM_004082.5(DCTN1):c.3425A>G (p.Glu1142Gly)

Gene: DCTN1 (dynactin subunit 1; minus strand). Cytogenetic location: 2p13.1.
Variant type: single nucleotide variant.
Coding change: c.3425A>G on transcript NM_004082.5 (MANE Select); coding-DNA position 3425, A replaced by G.
Protein change: p.Glu1142Gly; replaces glutamic acid 1142 with glycine.
Molecular consequence: missense variant. On other transcripts: non-coding transcript variant (1).
Genome position (GRCh38, 1-based): chr2:74,363,098, T>C on the plus strand (A>G on the coding strand, the complement: DCTN1 is on the minus strand). VCF-style: chr2-74363098-T-C. GRCh37 (hg19) VCF-style: chr2-74590225-T-C.
Other names: c.3350A>G, p.Glu1117Gly (NM_001135040.3); c.3008A>G, p.Glu1003Gly (NM_001135041.3); c.3299A>G, p.Glu1100Gly (NM_001190836.2); c.3404A>G, p.Glu1135Gly (NM_001190837.2); c.3374A>G, p.Glu1125Gly (NM_001378991.1); c.3356A>G, p.Glu1119Gly (NM_001378992.1); c.3023A>G, p.Glu1008Gly (NM_023019.4); short protein forms E1100G, E1135G, E1003G, E1117G, E1142G, E1008G, E1119G, E1125G.
Identifiers: ClinVar variation 657154 (VCV000657154.9), dbSNP rs1573142045, ClinGen allele CA347337264.
Genomic context (GRCh38, chr2:74,363,098, plus strand): 5'-AATTGATTCAATGTCTCCAGCAGCTGGCTGGTCTTACGATACAGCGCTCCAGCTGGTAAC[T>C]CACTGCCAGGGCCCTCATGGGATAGCTTTGCAACATGCAGAGGGGGCAGGGATGCCAAGG-3'
Protein context (NP_004073.2, residues 1132-1152): AKLSHEGPGS[Glu1142Gly]LPAGALYRKT